The following is an entry in ClinVar:

ClinVar aggregate classification (germline): Pathogenic (1 of 4 stars; one submission).

Submission:

Labcorp Genetics (formerly Invitae), Labcorp
Classification: Pathogenic. Last evaluated: 2022-09-03. Review status: criteria provided, single submitter. Criteria: Invitae Variant Classification Sherloc (09022015). Collection method: clinical testing. Allele origin: germline.
Comment: This sequence change creates a premature translational stop signal (p.Thr291Glnfs*40) in the HPS1 gene. It is expected to result in an absent or disrupted protein product. Loss-of-function variants in HPS1 are known to be pathogenic (PMID: 12442288, 16185271). For these reasons, this variant has been classified as Pathogenic. This variant has not been reported in the literature in individuals affected with HPS1-related conditions. This variant is not present in population databases (gnomAD no frequency).

Literature cited by the submitters: PubMed 12442288; PubMed 16185271.

NM_000195.5(HPS1):c.871del (p.Thr291fs)

Gene: HPS1 (HPS1 biogenesis of lysosomal organelles complex 3 subunit 1; minus strand). Cytogenetic location: 10q24.2.
Variant type: Deletion.
Coding change: c.871del on transcript NM_000195.5 (MANE Select); coding-DNA position 871, one base deleted (A; older notation c.871delA).
Protein change: p.Thr291fs; shifts the reading frame from threonine 291.
Molecular consequence: frameshift variant. On other transcripts: 5 prime UTR variant (3).
Genome position (GRCh38, 1-based): chr10:98,429,639, T deleted on the plus strand (A on the coding strand, the reverse complement: HPS1 is on the minus strand). VCF-style (leftmost placement, unchanged base first): chr10-98429638-GT-G. GRCh37 (hg19) VCF-style: chr10-100189395-GT-G.
Other names: c.-102del (NM_001311345.2, NM_001322487.2, NM_001322489.2); c.871del, p.Thr291fs (NM_001322476.2, NM_001322477.2, NM_182639.4); c.772del, p.Thr258fs (NM_001322478.2, NM_001322479.2, NM_001322491.2); c.610del, p.Thr204fs (NM_001322480.2, NM_001322481.2); c.511del, p.Thr171fs (NM_001322482.2); c.502del, p.Thr168fs (NM_001322483.2, NM_001322484.2); c.403del, p.Thr135fs (NM_001322485.2); c.753del, p.Arg251fs (NM_001322490.2); and 1 more; short protein forms T135fs, T291fs, T258fs, R218fs, R251fs, T168fs, T171fs, T204fs.
Identifiers: ClinVar variation 2028842 (VCV002028842.4), dbSNP rs2538898866, ClinGen allele CA2580082553.